The following is an entry in ClinVar:

ClinVar aggregate classification (germline): Uncertain significance (1 of 4 stars; one submission).

Submission:

GeneDx
Classification: Uncertain significance. Last evaluated: 2023-04-28. Review status: criteria provided, single submitter. Criteria: GeneDx Variant Classification Process June 2021. Collection method: clinical testing. Allele origin: germline. Affected: yes.
Comment: Not observed at significant frequency in large population cohorts (gnomAD); In silico analysis supports that this missense variant has a deleterious effect on protein structure/function; Has not been previously published as pathogenic or benign to our knowledge

NM_004539.4(NARS1):c.1091G>T (p.Arg364Leu)

Gene: NARS1 (asparaginyl-tRNA synthetase 1; minus strand). Cytogenetic location: 18q21.31.
Variant type: single nucleotide variant.
Coding change: c.1091G>T on transcript NM_004539.4 (MANE Select); coding-DNA position 1091, G replaced by T.
Protein change: p.Arg364Leu; replaces arginine 364 with leucine.
Molecular consequence: missense variant.
Genome position (GRCh38, 1-based): chr18:57,606,662, C>A on the plus strand (G>T on the coding strand, the complement: NARS1 is on the minus strand). VCF-style: chr18-57606662-C-A. GRCh37 (hg19) VCF-style: chr18-55273894-C-A.
Other names: short protein forms R364L.
Identifiers: ClinVar variation 1810001 (VCV001810001.2), dbSNP rs765537142, ClinGen allele CA402545843.